The following is an entry in ClinVar:

NM_000135.4(FANCA):c.3029G>T (p.Gly1010Val)

Gene: FANCA (FA complementation group A; minus strand). Cytogenetic location: 16q24.3.
Variant type: single nucleotide variant.
Coding change: c.3029G>T on transcript NM_000135.4 (MANE Select); coding-DNA position 3029, G replaced by T.
Protein change: p.Gly1010Val; replaces glycine 1010 with valine.
Molecular consequence: missense variant.
Genome position (GRCh38, 1-based): chr16:89,752,175, C>A on the plus strand (G>T on the coding strand, the complement: FANCA is on the minus strand). VCF-style: chr16-89752175-C-A. GRCh37 (hg19) VCF-style: chr16-89818583-C-A.
Other names: c.3029G>T, p.Gly1010Val (NM_001286167.3); short protein forms G1010V.
Identifiers: ClinVar variation 1022177 (VCV001022177.9), dbSNP rs767105291, ClinGen allele CA8251375.

ClinVar aggregate classification (germline): Uncertain significance. Review status: criteria provided, single submitter (1 of 4 stars). 2 submissions from 2 submitters: Uncertain significance (1). 1 of the submissions does not count toward it. Last evaluated 2022-08-27.

Conditions:
Fanconi anemia (FA). Also called: Fanconi's anemia. Identifiers: Orphanet 84, MedGen C0015625, MeSH D005199, MONDO:0019391.

Allele frequency attached by ClinVar (database versions not stated): TOPMed 0.00001.
gnomAD v4.1: 83 of 1,614,032 alleles (0.0051%); highest among the groups gnomAD compares: Non-Finnish European, 0.0069%; no homozygotes.

Submissions (2):

Labcorp Genetics (formerly Invitae), Labcorp
Classification: Uncertain significance for Fanconi anemia. Last evaluated: 2022-08-27. Review status: criteria provided, single submitter. Criteria: Invitae Variant Classification Sherloc (09022015). Collection method: clinical testing. Allele origin: germline.
Comment: This sequence change replaces glycine, which is neutral and non-polar, with valine, which is neutral and non-polar, at codon 1010 of the FANCA protein (p.Gly1010Val). This variant is present in population databases (rs767105291, gnomAD 0.003%). This variant has not been reported in the literature in individuals affected with FANCA-related conditions. ClinVar contains an entry for this variant (Variation ID: 1022177). Advanced modeling of protein sequence and biophysical properties (such as structural, functional, and spatial information, amino acid conservation, physicochemical variation, residue mobility, and thermodynamic stability) performed at Invitae indicates that this missense variant is not expected to disrupt FANCA protein function. In summary, the available evidence is currently insufficient to determine the role of this variant in disease. Therefore, it has been classified as a Variant of Uncertain Significance.

Natera, Inc.
Classification: Uncertain significance for Fanconi anemia. Last evaluated: 2020-07-07. Review status: no assertion criteria provided. Collection method: clinical testing. Allele origin: germline. Not counted in ClinVar's aggregate classification.